The following is an entry in ClinVar:

Conditions:
Breast-ovarian cancer, familial, susceptibility to, 1 (BROVCA1). Also called: BRCA1 Hereditary Breast and Ovarian Cancer; OVARIAN CANCER, SUSCEPTIBILITY TO. Identifiers: Orphanet 145, MedGen C2676676, MONDO:0011450, OMIM 604370. Disease mechanism: loss of function.

Submission:

Brotman Baty Institute, University of Washington
No classification provided (evidence only). Condition: Breast-ovarian cancer, familial 1. Review status: no classification provided. Collection method: in vitro. Allele origin: not applicable. Functional consequence: functionally_normal.
ClinVar note: "not provided" was previously submitted as the classification for the variant. However, the classification appeared to be based only on an observation of functional data so it was converted to no classification on 2025-07-30.

NM_007294.4(BRCA1):c.5467+18A>G

Gene: BRCA1 (BRCA1 DNA repair associated; minus strand). Cytogenetic location: 17q21.31.
Variant type: single nucleotide variant.
Coding change: c.5467+18A>G on transcript NM_007294.4 (MANE Select); 18 bases into the intron after coding-DNA position 5467, A replaced by G.
Molecular consequence: intron variant.
Genome position (GRCh38, 1-based): chr17:43,047,625, T>C on the plus strand (A>G on the coding strand, the complement: BRCA1 is on the minus strand). VCF-style: chr17-43047625-T-C. GRCh37 (hg19) VCF-style: chr17-41199642-T-C.
Other names: c.5203+18A>G (NM_001407926.1, NM_001407924.1, NM_001407920.1 and 4 more transcripts); c.5320+18A>G (NM_001407851.1, NM_001407849.1, NM_001407845.1 and 12 more transcripts); c.5323+18A>G (NM_001407735.1, NM_001407744.1, NM_001407750.1 and 18 more transcripts); c.5326+18A>G (NM_001407729.1, NM_001407698.1, NM_001407694.1 and 12 more transcripts); c.5254+18A>G (NM_001407899.1, NM_001407895.1, NM_001407910.1 and 12 more transcripts); c.1828+18A>G (NM_001408507.1); c.1912+18A>G (NM_001408495.1); c.2029+18A>G (NM_001408448.1, NM_001408445.1, NM_001408450.1 and 2 more transcripts); and 83 more.
Identifiers: ClinVar variation 867554 (VCV000867554.3), dbSNP rs2050971894, ClinGen allele CA916080739.